The following is an entry in ClinVar:

NM_000038.6(APC):c.4658C>T (p.Ala1553Val)

Gene: APC (APC regulator of Wnt signaling pathway; plus strand). Cytogenetic location: 5q22.2.
Variant type: single nucleotide variant.
Coding change: c.4658C>T on transcript NM_000038.6 (MANE Select); coding-DNA position 4658, C replaced by T.
Protein change: p.Ala1553Val; replaces alanine 1553 with valine.
Molecular consequence: missense variant.
Genome position (GRCh38, 1-based): chr5:112,840,252, C>T. VCF-style: chr5-112840252-C-T. GRCh37 (hg19) VCF-style: chr5-112175949-C-T.
Other names: c.4658C>T, p.Ala1553Val (NM_001127510.3, NM_001354895.2); c.4604C>T, p.Ala1535Val (NM_001127511.3); c.4712C>T, p.Ala1571Val (NM_001354896.2); c.4688C>T, p.Ala1563Val (NM_001354897.2); c.4583C>T, p.Ala1528Val (NM_001354898.2); c.4574C>T, p.Ala1525Val (NM_001354899.2); c.4535C>T, p.Ala1512Val (NM_001354900.2); c.4481C>T, p.Ala1494Val (NM_001354901.2); and 6 more; short protein forms A1535V, A1553V, A1270V, A1512V, A1525V, A1393V, A1452V, A1462V.
Identifiers: ClinVar variation 559953 (VCV000559953.12), dbSNP rs1554086050, ClinGen allele CA16031544.

ClinVar aggregate classification (germline): Uncertain significance. Review status: criteria provided, multiple submitters, no conflicts (2 of 4 stars). 3 submissions from 3 submitters: Uncertain significance (2). 1 of the submissions does not count toward it. Last evaluated 2025-08-21.

Conditions:
Hereditary cancer-predisposing syndrome. Also called: Hereditary neoplastic syndrome; Neoplastic Syndromes, Hereditary; Tumor predisposition; Hereditary Cancer Syndrome. Identifiers: Orphanet 140162, MedGen C0027672, MeSH D009386, MONDO:0015356.
Klatskin tumor. Also called: Hilar Cholangiocarcinoma; Klatskin's tumor. Identifiers: Orphanet 99978, MedGen C4045991, MONDO:0003345.
Familial adenomatous polyposis 1 (FAP1). Also called: FAMILIAL ADENOMATOUS POLYPOSIS 1, ATTENUATED; POLYPOSIS, ADENOMATOUS INTESTINAL. Identifiers: MedGen C2713442, MONDO:0021056, OMIM 175100. Disease mechanism: loss of function.

Submissions (3):

Ambry Genetics
Classification: Uncertain significance for Hereditary cancer-predisposing syndrome. Last evaluated: 2025-08-21. Review status: criteria provided, single submitter. Criteria: Ambry Variant Classification Scheme 2023. Collection method: clinical testing. Allele origin: germline.
Comment: The p.A1553V variant (also known as c.4658C>T), located in coding exon 15 of the APC gene, results from a C to T substitution at nucleotide position 4658. The alanine at codon 1553 is replaced by valine, an amino acid with similar properties. This amino acid position is conserved. In addition, in silico predictors for this gene do not accurately predict pathogenicity. Based on the available evidence, the clinical significance of this variant remains unclear.

Labcorp Genetics (formerly Invitae), Labcorp
Classification: Uncertain significance for Familial adenomatous polyposis 1. Last evaluated: 2020-10-19. Review status: criteria provided, single submitter. Criteria: Invitae Variant Classification Sherloc (09022015). Collection method: clinical testing. Allele origin: germline.
Comment: This variant is not present in population databases (ExAC no frequency). This sequence change replaces alanine with valine at codon 1553 of the APC protein (p.Ala1553Val). The alanine residue is moderately conserved and there is a small physicochemical difference between alanine and valine. This variant has not been reported in the literature in individuals with APC-related conditions. ClinVar contains an entry for this variant (Variation ID: 559953). Algorithms developed to predict the effect of missense changes on protein structure and function output the following: SIFT: "Tolerated"; PolyPhen-2: "Benign"; Align-GVGD: "Class C0". The valine amino acid residue is found in multiple mammalian species, suggesting that this missense change does not adversely affect protein function. These predictions have not been confirmed by published functional studies and their clinical significance is uncertain. Algorithms developed to predict the effect of sequence changes on RNA splicing suggest that this variant may create or strengthen a splice site, but this prediction has not been confirmed by published transcriptional studies. In summary, the available evidence is currently insufficient to determine the role of this variant in disease. Therefore, it has been classified as a Variant of Uncertain Significance.

3DMed Clinical Laboratory Inc
Classification: Uncertain significance for Hilar Cholangiocarcinoma. Last evaluated: 2017-07-13. Review status: no assertion criteria provided. Criteria: ACMG Guidelines, 2015. Collection method: clinical testing. Allele origin: germline. Affected: yes. Not counted in ClinVar's aggregate classification.